The following is an entry in ClinVar:

ClinVar aggregate classification (germline): Conflicting classifications of pathogenicity. Review status: criteria provided, conflicting classifications (1 of 4 stars). 4 submissions from 4 submitters: Uncertain significance (3); Likely benign (1). Last evaluated 2025-01-29.

Conditions:
Congenital anomaly of kidney and urinary tract. Also called: Congenital anomalies of kidney and urinary tract; Congenital anomalies of the kidney and urinary tract. Identifiers: Orphanet 93545, MedGen C1968949, MeSH C566906, MONDO:0019719.
Vesicoureteral reflux 2 (VUR2). Identifiers: Orphanet 289365, MedGen C1970483, MONDO:0012573, OMIM 610878.

Allele frequency attached by ClinVar (database versions not stated): gnomAD 0.00003; TOPMed 0.00004.
gnomAD v4.1: 109 of 1,613,626 alleles (0.0068%); highest among the groups gnomAD compares: Non-Finnish European, 0.0083%; no homozygotes.

Submissions (4):

Labcorp Genetics (formerly Invitae), Labcorp
Classification: Uncertain significance. Last evaluated: 2025-01-29. Review status: criteria provided, single submitter. Criteria: Invitae Variant Classification Sherloc (09022015). Collection method: clinical testing. Allele origin: germline.
Comment: This sequence change replaces valine, which is neutral and non-polar, with isoleucine, which is neutral and non-polar, at codon 799 of the ROBO2 protein (p.Val799Ile). This variant is present in population databases (rs759802937, gnomAD 0.004%). This variant has not been reported in the literature in individuals affected with ROBO2-related conditions. ClinVar contains an entry for this variant (Variation ID: 902553). Invitae Evidence Modeling of protein sequence and biophysical properties (such as structural, functional, and spatial information, amino acid conservation, physicochemical variation, residue mobility, and thermodynamic stability) indicates that this missense variant is not expected to disrupt ROBO2 protein function with a negative predictive value of 95%. In summary, the available evidence is currently insufficient to determine the role of this variant in disease. Therefore, it has been classified as a Variant of Uncertain Significance.

Fulgent Genetics
Classification: Uncertain significance for Vesicoureteral reflux 2. Last evaluated: 2024-03-22. Review status: criteria provided, single submitter. Criteria: ACMG Guidelines, 2015. Collection method: clinical testing. Allele origin: germline.

Institute of Human Genetics, University of Leipzig Medical Center
Classification: Uncertain significance for Congenital anomaly of kidney and urinary tract. Last evaluated: 2021-01-09. Review status: criteria provided, single submitter. Criteria: ACMG Guidelines, 2015. Collection method: curation. Allele origin: germline. Inheritance: Autosomal dominant inheritance. Affected: yes.
Comment: This ROBO2 variant was reported as Uncertain Significance in PMID: 23536131 with original nomenclature reported as c.2395 G-A p.Val799Ile. Variant was re-classified as Uncertain Significance based on the criteria PM2_Supporting.

Illumina Laboratory Services, Illumina
Classification: Likely benign for Vesicoureteral reflux 2. Last evaluated: 2017-11-28. Review status: criteria provided, single submitter. Criteria: ICSL Variant Classification Criteria 13 December 2019. Collection method: clinical testing. Allele origin: germline.
Comment: This variant was observed as part of a predisposition screen in an ostensibly healthy population. A literature search was performed for the gene, cDNA change, and amino acid change (where applicable). Publications were found based on this search. The evidence from the literature, in combination with allele frequency data from public databases where available, was sufficient to determine this variant is unlikely to cause disease. Therefore, this variant is classified as likely benign.

Literature cited by the submitters: PubMed 23536131 (cited by Institute of Human Genetics, University of Leipzig Medical Center and Illumina Laboratory Services, Illumina).

NM_001395656.1(ROBO2):c.2407G>A (p.Val803Ile)

Gene: ROBO2 (roundabout guidance receptor 2; plus strand). Cytogenetic location: 3p12.3.
Variant type: single nucleotide variant.
Coding change: c.2407G>A on transcript NM_001395656.1 (MANE Select); coding-DNA position 2407, G replaced by A.
Protein change: p.Val803Ile; replaces valine 803 with isoleucine.
Molecular consequence: missense variant.
Genome position (GRCh38, 1-based): chr3:77,580,013, G>A. VCF-style: chr3-77580013-G-A. GRCh37 (hg19) VCF-style: chr3-77629164-G-A.
Other names: c.2443G>A, p.Val815Ile (NM_001128929.3); c.2407G>A, p.Val803Ile (NM_001290039.2, NM_001290040.2, NM_001378202.1); c.616G>A, p.Val206Ile (NM_001290065.2); c.2455G>A, p.Val819Ile (NM_001378190.1, NM_001378191.1, NM_001378195.1 and 4 more transcripts); c.2476G>A, p.Val826Ile (NM_001378192.1, NM_001378194.1, NM_001378198.1 and 2 more transcripts); c.2395G>A, p.Val799Ile (NM_001378193.1, NM_001378197.1, NM_002942.5); c.2464G>A, p.Val822Ile (NM_001394212.1, NM_001394214.1, NM_001395657.1); short protein forms V206I, V803I, V819I, V799I, V815I, V826I, V822I.
Identifiers: ClinVar variation 902553 (VCV000902553.8), dbSNP rs759802937, ClinGen allele CA2497324.
Genomic context (GRCh38, chr3:77,580,013, plus strand): 5'-TGTCTAGGAAATGAAACGCGATTCCATATCAACAAAACTGTGGATGCAGCCATTCGGTCC[G>A]TAATAATTGGTGGATTATTCCCAGGTATTCAATACCGGGTAGAGGTTGCAGCTAGTACCA-3'
Protein context (NP_001382585.1, residues 793-813): NKTVDAAIRS[Val803Ile]IIGGLFPGIQ